The following is an entry in ClinVar:

ClinVar aggregate classification (germline): Likely pathogenic (1 of 4 stars; one submission).

Conditions:
Dilated cardiomyopathy 1G (CMD1G). Identifiers: Orphanet 154, MedGen C1858763, MONDO:0011400, OMIM 604145.
Autosomal recessive limb-girdle muscular dystrophy type 2J (LGMDR10). Also called: Limb-girdle muscular dystrophy, type 2J; MUSCULAR DYSTROPHY, LIMB-GIRDLE, AUTOSOMAL RECESSIVE 10. Identifiers: Orphanet 140922, MedGen C1837342, MONDO:0012127, OMIM 608807.

Submission:

Labcorp Genetics (formerly Invitae), Labcorp
Classification: Likely pathogenic for Dilated cardiomyopathy 1G; Autosomal recessive limb-girdle muscular dystrophy type 2J. Last evaluated: 2020-12-30. Review status: criteria provided, single submitter. Criteria: Invitae Variant Classification Sherloc (09022015). Collection method: clinical testing. Allele origin: germline.
Comment: This variant is not present in population databases (ExAC no frequency). This variant has not been reported in the literature in individuals with TTN-related conditions. This variant is located in the A band of TTN (PMID: 25589632). Truncating variants in this region are significantly overrepresented in patients affected with dilated cardiomyopathy (PMID: 25589632). Truncating variants in this region have also been reported in individuals affected with autosomal recessive centronuclear myopathy (PMID: 23975875). In summary, the currently available evidence indicates that the variant is pathogenic, but additional data are needed to prove that conclusively. Therefore, this variant has been classified as Likely Pathogenic. This sequence change creates a premature translational stop signal (p.Gly23463Glufs*5) in the TTN gene. While this is not anticipated to result in nonsense mediated decay, it is expected to create a truncated TTN protein.

Literature cited by the submitters: PubMed 25589632; PubMed 23975875.

NM_001267550.2(TTN):c.70388del (p.Gly23463fs)

Genes: TTN-AS1 (TTN antisense RNA 1; plus strand), TTN (titin; minus strand), LOC126806422 (BRD4-independent group 4 enhancer GRCh37_chr2:179440205-179441404; plus strand). Cytogenetic location: 2q31.2.
Variant type: Deletion.
Coding change: c.70388del on transcript NM_001267550.2 (MANE Select); coding-DNA position 70388, one base deleted (G; older notation c.70388delG).
Protein change: p.Gly23463fs; shifts the reading frame from glycine 23463.
Molecular consequence: frameshift variant.
Genome position (GRCh38, 1-based): chr2:178,575,744, C deleted on the plus strand (G on the coding strand, the reverse complement: TTN is on the minus strand); the first of 2 consecutive C bases (chr2:178,575,744-178,575,745); deleting either gives the same sequence. VCF-style (leftmost placement, unchanged base first): chr2-178575743-TC-T. GRCh37 (hg19) VCF-style: chr2-179440470-TC-T.
Other names: c.65465del, p.Gly21822fs (NM_001256850.1); c.43193del, p.Gly14398fs (NM_003319.4); c.62684del, p.Gly20895fs (NM_133378.4); c.43568del, p.Gly14523fs (NM_133432.3); c.43769del, p.Gly14590fs (NM_133437.4); short protein forms G14398fs, G14523fs, G20895fs, G23463fs, G14590fs, G21822fs.
Identifiers: ClinVar variation 1484069 (VCV001484069.8), dbSNP rs2154172507, ClinGen allele CA2573134321.